The following is an entry in ClinVar:

NM_173728.4(ARHGEF15):c.2404C>A (p.Pro802Thr)

Gene: ARHGEF15 (Rho guanine nucleotide exchange factor 15; plus strand). Cytogenetic location: 17p13.1.
Variant type: single nucleotide variant.
Coding change: c.2404C>A on transcript NM_173728.4 (MANE Select); coding-DNA position 2404, C replaced by A.
Protein change: p.Pro802Thr; replaces proline 802 with threonine.
Molecular consequence: missense variant.
Genome position (GRCh38, 1-based): chr17:8,320,871, C>A. VCF-style: chr17-8320871-C-A. GRCh37 (hg19) VCF-style: chr17-8224189-C-A.
Other names: c.2404C>A, p.Pro802Thr (NM_025014.2); short protein forms P802T.
Identifiers: ClinVar variation 1937006 (VCV001937006.5), dbSNP rs370550327, ClinGen allele CA398025951.

ClinVar aggregate classification (germline): Uncertain significance (1 of 4 stars; one submission).

Conditions:
Early-infantile DEE. Also called: Ohtahara syndrome; Early infantile epileptic encephalopathy; Early infantile epileptic encephalopathy with suppression bursts. Identifiers: Orphanet 1934, MedGen C0393706, MONDO:0800491.

gnomAD v4.1: 2 of 1,613,332 alleles (0.00012%); highest among the groups gnomAD compares: Admixed American, 0.0033%; no homozygotes.

Submission:

Labcorp Genetics (formerly Invitae), Labcorp
Classification: Uncertain significance for Early-infantile DEE. Last evaluated: 2025-03-27. Review status: criteria provided, single submitter. Criteria: Invitae Variant Classification Sherloc (09022015). Collection method: clinical testing. Allele origin: germline.
Comment: This sequence change replaces proline, which is neutral and non-polar, with threonine, which is neutral and polar, at codon 802 of the ARHGEF15 protein (p.Pro802Thr). This variant is present in population databases (no rsID available, gnomAD 0.006%). This variant has not been reported in the literature in individuals affected with ARHGEF15-related conditions. ClinVar contains an entry for this variant (Variation ID: 1937006). An algorithm developed to predict the effect of missense changes on protein structure and function (PolyPhen-2) suggests that this variant is likely to be disruptive. In summary, the available evidence is currently insufficient to determine the role of this variant in disease. Therefore, it has been classified as a Variant of Uncertain Significance.